The following is an entry in ClinVar:

NM_144499.3(GNAT1):c.498C>A (p.Thr166=)

Gene: GNAT1 (G protein subunit alpha transducin 1; plus strand). Cytogenetic location: 3p21.31.
Variant type: single nucleotide variant.
Coding change: c.498C>A on transcript NM_144499.3 (MANE Select); coding-DNA position 498, C replaced by A.
Protein change: p.Thr166=; no amino-acid change (threonine 166 retained).
Molecular consequence: synonymous variant.
Genome position (GRCh38, 1-based): chr3:50,193,801, C>A. VCF-style: chr3-50193801-C-A. GRCh37 (hg19) VCF-style: chr3-50231234-C-A.
Other names: c.498C>A, p.Thr166= (NM_000172.4).
Identifiers: ClinVar variation 1398514 (VCV001398514.6), dbSNP rs559784473, ClinGen allele CA2412618.

ClinVar aggregate classification (germline): Uncertain significance (1 of 4 stars; one submission).

Allele frequency attached by ClinVar (database versions not stated): ExAC 0.00003; gnomAD 0.00005.

Submission:

Labcorp Genetics (formerly Invitae), Labcorp
Classification: Uncertain significance. Last evaluated: 2022-10-04. Review status: criteria provided, single submitter. Criteria: Invitae Variant Classification Sherloc (09022015). Collection method: clinical testing. Allele origin: germline.
Comment: This variant is present in population databases (rs559784473, gnomAD 0.02%). This sequence change affects codon 166 of the GNAT1 mRNA. It is a 'silent' change, meaning that it does not change the encoded amino acid sequence of the GNAT1 protein. This variant has not been reported in the literature in individuals affected with GNAT1-related conditions. In summary, the available evidence is currently insufficient to determine the role of this variant in disease. Therefore, it has been classified as a Variant of Uncertain Significance. Algorithms developed to predict the effect of sequence changes on RNA splicing suggest that this variant may create or strengthen a splice site. ClinVar contains an entry for this variant (Variation ID: 1398514).